The following is an entry in ClinVar:

ClinVar aggregate classification (germline): Uncertain significance (1 of 4 stars; one submission).

Conditions:
Charcot-Marie-Tooth disease type 2R. Also called: CHARCOT-MARIE-TOOTH DISEASE, AXONAL, AUTOSOMAL RECESSIVE, TYPE 2R; Charcot-Marie-Tooth disease, axonal, type 2R; CHARCOT-MARIE-TOOTH NEUROPATHY, TYPE 2R. Identifiers: Orphanet 397968, MedGen C3809655, MONDO:0014208, OMIM 615490.

Allele frequency attached by ClinVar (database versions not stated): gnomAD 0.00001; gnomAD exomes 0.00001 and 0.00003; TOPMed 0.00001.
gnomAD v4.1: 47 of 1,613,848 alleles (0.0029%); highest among the groups gnomAD compares: Non-Finnish European, 0.0039%; no homozygotes.

Submission:

Labcorp Genetics (formerly Invitae), Labcorp
Classification: Uncertain significance for Charcot-Marie-Tooth disease type 2R. Last evaluated: 2023-12-11. Review status: criteria provided, single submitter. Criteria: Invitae Variant Classification Sherloc (09022015). Collection method: clinical testing. Allele origin: germline.
Comment: This sequence change replaces threonine, which is neutral and polar, with proline, which is neutral and non-polar, at codon 338 of the TRIM2 protein (p.Thr338Pro). This variant is present in population databases (no rsID available, gnomAD 0.002%). This variant has not been reported in the literature in individuals affected with TRIM2-related conditions. ClinVar contains an entry for this variant (Variation ID: 938748). An algorithm developed to predict the effect of missense changes on protein structure and function (PolyPhen-2) suggests that this variant is likely to be tolerated. In summary, the available evidence is currently insufficient to determine the role of this variant in disease. Therefore, it has been classified as a Variant of Uncertain Significance.

NM_015271.5(TRIM2):c.1093A>C (p.Thr365Pro)

Gene: TRIM2 (tripartite motif containing 2; plus strand). Cytogenetic location: 4q31.3.
Variant type: single nucleotide variant.
Coding change: c.1093A>C on transcript NM_015271.5 (MANE Select); coding-DNA position 1093, A replaced by C.
Protein change: p.Thr365Pro; replaces threonine 365 with proline.
Molecular consequence: missense variant.
Genome position (GRCh38, 1-based): chr4:153,295,619, A>C. VCF-style: chr4-153295619-A-C. GRCh37 (hg19) VCF-style: chr4-154216771-A-C.
Other names: c.1012A>C, p.Thr338Pro (NM_001130067.2, NM_001351056.2, NM_001375512.1 and 5 more transcripts); c.1066A>C, p.Thr356Pro (NM_001351054.2); c.1063A>C, p.Thr355Pro (NM_001351055.2); c.637A>C, p.Thr213Pro (NM_001351057.2); c.1186A>C, p.Thr396Pro (NM_001375488.1); c.1183A>C, p.Thr395Pro (NM_001375489.1); c.1036A>C, p.Thr346Pro (NM_001375490.1); c.1033A>C, p.Thr345Pro (NM_001375491.1); and 3 more; short protein forms T213P, T254P, T338P, T346P, T356P, T396P, T355P, T395P.
Identifiers: ClinVar variation 938748 (VCV000938748.9), dbSNP rs1231802080, ClinGen allele CA358472950.